The following is an entry in ClinVar:

ClinVar aggregate classification (germline): Benign/Likely benign. Review status: criteria provided, multiple submitters, no conflicts (2 of 4 stars). 4 submissions from 4 submitters: Benign (1); Likely benign (3). Last evaluated 2025-02-20.

Conditions:
Hereditary cancer-predisposing syndrome. Also called: Hereditary Cancer Syndrome; Neoplastic Syndromes, Hereditary; Tumor predisposition; Hereditary neoplastic syndrome. Identifiers: Orphanet 140162, MedGen C0027672, MeSH D009386, MONDO:0015356.
Breast-ovarian cancer, familial, susceptibility to, 4. Identifiers: Orphanet 145, MedGen C3280345, MONDO:0013669, OMIM 614291.

Allele frequency attached by ClinVar (database versions not stated): TOPMed 0.00001.
gnomAD v4.1: 5 of 1,612,528 alleles (0.00031%); highest among the groups gnomAD compares: South Asian, 0.0044%; no homozygotes.

Submissions (4):

Myriad Genetics, Inc.
Classification: Benign for Breast-ovarian cancer, familial, susceptibility to, 4. Last evaluated: 2025-02-20. Review status: criteria provided, single submitter. Criteria: Myriad Autosomal Dominant, Autosomal Recessive and X-Linked Classification Criteria (2023). Collection method: clinical testing. Allele origin: unknown.
Comment: This variant is considered benign. This variant is a silent/synonymous amino acid change and it is not expected to impact splicing.

Labcorp Genetics (formerly Invitae), Labcorp
Classification: Likely benign for Breast-ovarian cancer, familial, susceptibility to, 4. Last evaluated: 2024-02-17. Review status: criteria provided, single submitter. Criteria: Invitae Variant Classification Sherloc (09022015). Collection method: clinical testing. Allele origin: germline.

Color Diagnostics, LLC DBA Color Health
Classification: Likely benign for Hereditary cancer-predisposing syndrome. Last evaluated: 2019-11-25. Review status: criteria provided, single submitter. Criteria: ACMG Guidelines, 2015. Collection method: clinical testing. Allele origin: germline.

Ambry Genetics
Classification: Likely benign for Hereditary cancer-predisposing syndrome. Last evaluated: 2016-07-06. Review status: criteria provided, single submitter. Criteria: Ambry Variant Classification Scheme 2023. Collection method: clinical testing. Allele origin: germline.

NM_002878.4(RAD51D):c.39C>T (p.Thr13=)

Genes: RAD51L3-RFFL (RAD51L3-RFFL readthrough; minus strand), RAD51D (RAD51 paralog D; minus strand). Cytogenetic location: 17q12.
Variant type: single nucleotide variant.
Coding change: c.39C>T on transcript NM_002878.4 (MANE Select); coding-DNA position 39, C replaced by T.
Protein change: p.Thr13=; no amino-acid change (threonine 13 retained).
Molecular consequence: synonymous variant. On other transcripts: non-coding transcript variant (2).
Genome position (GRCh38, 1-based): chr17:35,119,575, G>A on the plus strand (C>T on the coding strand, the complement: RAD51D is on the minus strand). VCF-style: chr17-35119575-G-A. GRCh37 (hg19) VCF-style: chr17-33446594-G-A.
Other names: c.39C>T, p.Thr13= (NM_001142571.2, NM_133629.3).
Identifiers: ClinVar variation 480533 (VCV000480533.17), dbSNP rs146448657, ClinGen allele CA8499703.